The following is an entry in ClinVar:

NM_001458.5(FLNC):c.8089A>G (p.Thr2697Ala)

Genes: FLNC-AS1 (FLNC antisense RNA 1; minus strand), FLNC (filamin C; plus strand). Cytogenetic location: 7q32.1.
Variant type: single nucleotide variant.
Coding change: c.8089A>G on transcript NM_001458.5 (MANE Select); coding-DNA position 8089, A replaced by G.
Protein change: p.Thr2697Ala; replaces threonine 2697 with alanine.
Molecular consequence: missense variant.
Genome position (GRCh38, 1-based): chr7:128,858,434, A>G. VCF-style: chr7-128858434-A-G. GRCh37 (hg19) VCF-style: chr7-128498488-A-G.
Other names: c.7990A>G, p.Thr2664Ala (NM_001127487.2); short protein forms T2664A, T2697A.
Identifiers: ClinVar variation 641761 (VCV000641761.9), dbSNP rs1292665355, ClinGen allele CA369221696.

ClinVar aggregate classification (germline): Uncertain significance. Review status: criteria provided, multiple submitters, no conflicts (2 of 4 stars). 3 submissions from 3 submitters: Uncertain significance (3). Last evaluated 2025-10-17.

Conditions:
Distal myopathy with posterior leg and anterior hand involvement. Also called: WILLIAMS DISTAL MYOPATHY. Identifiers: Orphanet 63273, MedGen C3279722, MONDO:0013550, OMIM 614065.
Myofibrillar myopathy 5. Also called: FILAMINOPATHY, AUTOSOMAL DOMINANT; Filaminopathy (type). Identifiers: Orphanet 171445, MedGen C1836050, MONDO:0012289, OMIM 609524.
Hypertrophic cardiomyopathy 26. Also called: Cardiomyopathy, familial hypertrophic, 26. Identifiers: Orphanet 75249, MedGen C4310749, MONDO:0014883, OMIM 617047.
Cardiovascular phenotype. Identifiers: MedGen CN230736.

Allele frequency attached by ClinVar (database versions not stated): TOPMed below 0.00001; gnomAD exomes 0.00001.
gnomAD v4.1: 4 of 1,613,252 alleles (0.00025%); highest among the groups gnomAD compares: Admixed American, 0.0067%; no homozygotes.

Submissions (3):

Labcorp Genetics (formerly Invitae), Labcorp
Classification: Uncertain significance for Distal myopathy with posterior leg and anterior hand involvement; Myofibrillar myopathy 5; Hypertrophic cardiomyopathy 26. Last evaluated: 2025-10-17. Review status: criteria provided, single submitter. Criteria: Invitae Variant Classification Sherloc (09022015). Collection method: clinical testing. Allele origin: germline.
Comment: This sequence change replaces threonine, which is neutral and polar, with alanine, which is neutral and non-polar, at codon 2697 of the FLNC protein (p.Thr2697Ala). This variant is present in population databases (no rsID available, gnomAD 0.006%). This variant has not been reported in the literature in individuals affected with FLNC-related conditions. ClinVar contains an entry for this variant (Variation ID: 641761). Invitae Evidence Modeling of protein sequence and biophysical properties (such as structural, functional, and spatial information, amino acid conservation, physicochemical variation, residue mobility, and thermodynamic stability) indicates that this missense variant is not expected to disrupt FLNC protein function with a negative predictive value of 95%. In summary, the available evidence is currently insufficient to determine the role of this variant in disease. Therefore, it has been classified as a Variant of Uncertain Significance.

Ambry Genetics
Classification: Uncertain significance for Cardiovascular phenotype. Last evaluated: 2025-03-08. Review status: criteria provided, single submitter. Criteria: Ambry Variant Classification Scheme 2023. Collection method: clinical testing. Allele origin: germline.

GeneDx
Classification: Uncertain significance. Last evaluated: 2022-10-25. Review status: criteria provided, single submitter. Criteria: GeneDx Variant Classification Process June 2021. Collection method: clinical testing. Allele origin: germline. Affected: yes.
Comment: Has not been previously published as pathogenic or benign to our knowledge; Not observed at significant frequency in large population cohorts (gnomAD); In silico analysis supports that this missense variant does not alter protein structure/function